The following is an entry in ClinVar:

NM_000152.5(GAA):c.1076-20_1076-4del

Gene: GAA (alpha glucosidase; plus strand). Cytogenetic location: 17q25.3.
Variant type: Deletion.
Coding change: c.1076-20_1076-4del on transcript NM_000152.5 (MANE Select); 20 bases into the intron before coding-DNA position 1076 through 4 bases into the intron before coding-DNA position 1076, 17 bases deleted (AAGTCGGCGTTGGCCTG).
Molecular consequence: intron variant.
Genome position (GRCh38, 1-based): chr17:80,108,469-80,108,485, AAGTCGGCGTTGGCCTG deleted; deleting any 17 consecutive bases within chr17:80,108,467-80,108,485 gives the same sequence; the c. name uses the placement nearest the transcript's 3' end. VCF-style (leftmost placement, unchanged base first): chr17-80108466-ATGAAGTCGGCGTTGGCC-A. GRCh37 (hg19) VCF-style: chr17-78082265-ATGAAGTCGGCGTTGGCC-A.
Other names: c.1076-20_1076-4del (NM_001406741.1, NM_001406742.1, NM_001079803.3 and 1 more transcripts).
Identifiers: ClinVar variation 4876500 (VCV004876500.1).

ClinVar aggregate classification (germline): Uncertain significance (1 of 4 stars; one submission).

Conditions:
Glycogen storage disease, type II (IOPD). Also called: Pompe Disease; CARDIOMEGALIA GLYCOGENICA DIFFUSA; GLYCOGENOSIS, GENERALIZED, CARDIAC FORM; GSD II; POMPE DISEASE, INFANTILE-ONSET; GLYCOGEN STORAGE DISEASE II, INFANTILE-ONSET. Identifiers: Orphanet 365, MedGen C0017921, MONDO:0009290, OMIM 232300.

Submission:

Genomenon, Inc
Classification: Uncertain significance for Glycogen storage disease, type II. Last evaluated: 2026-07-01. Review status: criteria provided, single submitter. Criteria: Genomenon Sequence Variant Interpretation Standards - Updated. Collection method: curation. Allele origin: germline. Affected: no.
Comment: GAA c.1076-20_1076-4del is a deletion variant that affects the acceptor splice region of intron 6. This variant has been reported in the published literature (PMID:38958145). It is absent or not present at a significant frequency in gnomAD. In conclusion, we classify GAA c.1076-20_1076-4del as a variant of uncertain significance.

Literature cited by the submitters: PubMed 38958145.